The following is an entry in ClinVar:

ClinVar aggregate classification (germline): Uncertain significance (1 of 4 stars; one submission).

Conditions:
Pili torti-developmental delay-neurological abnormalities syndrome. Identifiers: Orphanet 2891, MedGen C1849811, MONDO:0009871, OMIM 261990.

gnomAD v4.1: 144 of 1,613,908 alleles (0.0089%); highest among the groups gnomAD compares: African/African-American, 0.16%; no homozygotes.

Submission:

Laboratorio de Genetica e Diagnostico Molecular, Hospital Israelita Albert Einstein
Classification: Uncertain significance for Pili torti-developmental delay-neurological abnormalities syndrome. Last evaluated: 2024-07-14. Review status: criteria provided, single submitter. Criteria: ACMG Guidelines, 2015. Collection method: clinical testing. Allele origin: germline. Affected: yes.
Comment: ACMG classification criteria: PM2 supporting, PP3 supporting

NM_001098672.2(HEPHL1):c.2242C>G (p.Pro748Ala)

Gene: HEPHL1 (hephaestin like 1; plus strand). Cytogenetic location: 11q21.
Variant type: single nucleotide variant.
Coding change: c.2242C>G on transcript NM_001098672.2 (MANE Select); coding-DNA position 2242, C replaced by G.
Protein change: p.Pro748Ala; replaces proline 748 with alanine.
Molecular consequence: missense variant.
Genome position (GRCh38, 1-based): chr11:94,088,916, C>G. VCF-style: chr11-94088916-C-G. GRCh37 (hg19) VCF-style: chr11-93822082-C-G.
Other names: short protein forms P748A.
Identifiers: ClinVar variation 4056573 (VCV004056573.1).
Genomic context (GRCh38, chr11:94,088,916, plus strand): 5'-CGGTACGGGATGATAAGAACTTTTTACATCGCCGCTGAAGAAGTAGAATGGGATTATGCC[C>G]CTAACAAAAACTGGGAGTTCGAAAAGCAGCACGTGGACGCAAGAGGGGAAAGGTACCACA-3'
Protein context (NP_001092142.1, residues 738-758): AAEEVEWDYA[Pro748Ala]NKNWEFEKQH